The following is an entry in ClinVar:

ClinVar aggregate classification (germline): Conflicting classifications of pathogenicity. Review status: criteria provided, conflicting classifications (1 of 4 stars). 2 submissions from 2 submitters: Uncertain significance (1); Likely benign (1). Last evaluated 2025-11-24.

Allele frequency attached by ClinVar (database versions not stated): TOPMed below 0.00001; gnomAD 0.00001; ExAC 0.00002; gnomAD exomes 0.00002.
gnomAD v4.1: 33 of 1,614,046 alleles (0.002%); highest among the groups gnomAD compares: South Asian, 0.035%; no homozygotes.

Submissions (2):

Labcorp Genetics (formerly Invitae), Labcorp
Classification: Uncertain significance. Last evaluated: 2025-11-24. Review status: criteria provided, single submitter. Criteria: Invitae Variant Classification Sherloc (09022015). Collection method: clinical testing. Allele origin: germline.
Comment: This sequence change replaces alanine, which is neutral and non-polar, with threonine, which is neutral and polar, at codon 746 of the ASXL1 protein (p.Ala746Thr). This variant is present in population databases (rs759026497, gnomAD 0.03%). This variant has not been reported in the literature in individuals affected with ASXL1-related conditions. ClinVar contains an entry for this variant (Variation ID: 2419813). An algorithm developed to predict the effect of missense changes on protein structure and function outputs the following: PolyPhen-2: "Benign". The threonine amino acid residue is found in multiple mammalian species, which suggests that this missense change does not adversely affect protein function. In summary, the available evidence is currently insufficient to determine the role of this variant in disease. Therefore, it has been classified as a Variant of Uncertain Significance.

CeGaT Center for Human Genetics Tuebingen
Classification: Likely benign. Last evaluated: 2023-01-01. Review status: criteria provided, single submitter. Criteria: CeGaT Center For Human Genetics Tuebingen Variant Classification Criteria Version 2. Collection method: clinical testing. Allele origin: germline. Affected: yes. Observed: 1 variant allele.
Comment: ASXL1: BP4

NM_015338.6(ASXL1):c.2236G>A (p.Ala746Thr)

Gene: ASXL1 (ASXL transcriptional regulator 1; plus strand). Cytogenetic location: 20q11.21.
Variant type: single nucleotide variant.
Coding change: c.2236G>A on transcript NM_015338.6 (MANE Select); coding-DNA position 2236, G replaced by A.
Protein change: p.Ala746Thr; replaces alanine 746 with threonine.
Molecular consequence: missense variant.
Genome position (GRCh38, 1-based): chr20:32,434,948, G>A. VCF-style: chr20-32434948-G-A. GRCh37 (hg19) VCF-style: chr20-31022751-G-A.
Other names: c.2053G>A, p.Ala685Thr (NM_001363734.1); short protein forms A685T, A746T.
Identifiers: ClinVar variation 2419813 (VCV002419813.30), dbSNP rs759026497, ClinGen allele CA9808573.